The following is an entry in ClinVar:

ClinVar aggregate classification (germline): Pathogenic. Review status: criteria provided, multiple submitters, no conflicts (2 of 4 stars). 7 submissions from 7 submitters: Pathogenic (7). Last evaluated 2026-03-20.

Conditions:
Hereditary nonpolyposis colorectal neoplasms. Identifiers: MedGen C0009405, MeSH D003123.
Hereditary cancer-predisposing syndrome. Also called: Tumor predisposition; Hereditary Cancer Syndrome; Hereditary neoplastic syndrome; Neoplastic Syndromes, Hereditary. Identifiers: Orphanet 140162, MedGen C0027672, MeSH D009386, MONDO:0015356.
Hereditary nonpolyposis colon cancer (HNPCC). Also called: Hereditary Nonpolyposis Colorectal Cancer Syndrome; Hereditary nonpolyposis colorectal cancer; Familial nonpolyposis colon cancer. Identifiers: Orphanet 443909, MedGen C1333990, MONDO:0018630. Disease mechanism: loss of function.
Lynch syndrome 5 (LYNCH5). Also called: Colorectal cancer, hereditary nonpolyposis, type 5; Hereditary non-polyposis colorectal cancer, type 5. Identifiers: Orphanet 144, MedGen C1833477, MONDO:0013710, OMIM 614350. Disease mechanism: loss of function.

Submissions (7):

Women's Health and Genetics/Laboratory Corporation of America, LabCorp
Classification: Pathogenic for Hereditary nonpolyposis colon cancer. Last evaluated: 2026-03-20. Review status: criteria provided, single submitter. Criteria: LabCorp Variant Classification Summary - May 2015. Collection method: clinical testing. Allele origin: germline.
Comment: Variant summary: MSH6 c.706_707delCA (p.Gln236ArgfsX3) results in a premature termination codon, predicted to cause a truncation of the encoded protein or absence of the protein due to nonsense mediated decay, which are commonly known mechanisms for disease. The variant was absent in 250858 control chromosomes. To our knowledge, no occurrence of c.706_707delCA in individuals affected with MSH6-related conditions and no experimental evidence demonstrating its impact on protein function have been reported. ClinVar contains an entry for this variant (Variation ID: 491991). Based on the evidence outlined above, the variant was classified as pathogenic.

Labcorp Genetics (formerly Invitae), Labcorp
Classification: Pathogenic for Hereditary nonpolyposis colorectal neoplasms. Last evaluated: 2025-10-24. Review status: criteria provided, single submitter. Criteria: Invitae Variant Classification Sherloc (09022015). Collection method: clinical testing. Allele origin: germline.
Comment: This sequence change creates a premature translational stop signal (p.Gln236Argfs*3) in the MSH6 gene. It is expected to result in an absent or disrupted protein product. Loss-of-function variants in MSH6 are known to be pathogenic (PMID: 18269114, 24362816). This variant is not present in population databases (gnomAD no frequency). This variant has not been reported in the literature in individuals affected with MSH6-related conditions. Invitae Evidence Modeling of clinical and family history, age, sex, and reported ancestry of multiple individuals with this MSH6 variant has been performed. This variant is expected to be pathogenic with a positive predictive value of at least 99%. This is a validated machine learning model that incorporates the clinical features of 1,627,235 individuals referred to our laboratory for MSH6 testing. For these reasons, this variant has been classified as Pathogenic.

Ambry Genetics
Classification: Pathogenic for Hereditary cancer-predisposing syndrome. Last evaluated: 2025-07-24. Review status: criteria provided, single submitter. Criteria: Ambry Variant Classification Scheme 2023. Collection method: clinical testing. Allele origin: germline.
Comment: The c.706_707delCA pathogenic mutation, located in coding exon 4 of the MSH6 gene, results from a deletion of two nucleotides at nucleotide positions 706 to 707, causing a translational frameshift with a predicted alternate stop codon (p.Q236Rfs*3). This variant is considered to be rare based on population cohorts in the Genome Aggregation Database (gnomAD). This alteration is expected to result in loss of function by premature protein truncation or nonsense-mediated mRNA decay. As such, this alteration is interpreted as a disease-causing mutation.

Myriad Genetics, Inc.
Classification: Pathogenic for Lynch syndrome 5. Last evaluated: 2023-08-10. Review status: criteria provided, single submitter. Criteria: Myriad Autosomal Dominant, Autosomal Recessive and X-Linked Classification Criteria (2023). Collection method: clinical testing. Allele origin: unknown.
Comment: This variant is considered pathogenic. This variant creates a frameshift predicted to result in premature protein truncation.

GeneDx
Classification: Pathogenic. Last evaluated: 2022-06-27. Review status: criteria provided, single submitter. Criteria: GeneDx Variant Classification Process June 2021. Collection method: clinical testing. Allele origin: germline. Affected: yes.
Comment: Frameshift variant predicted to result in protein truncation or nonsense mediated decay in a gene for which loss of function is a known mechanism of disease; Not observed at significant frequency in large population cohorts (gnomAD); Truncating variants in this gene are considered pathogenic by a well-established clinical consortium and/or database; Has not been previously published as pathogenic or benign to our knowledge

Color Diagnostics, LLC DBA Color Health
Classification: Pathogenic for Hereditary cancer-predisposing syndrome. Last evaluated: 2020-03-27. Review status: criteria provided, single submitter. Criteria: ACMG Guidelines, 2015. Collection method: clinical testing. Allele origin: germline.
Comment: This variant deletes 2 nucleotides in exon 4 of the MSH6 gene, creating a frameshift and premature translation stop signal. This variant is expected to result in an absent or non-functional protein product. To our knowledge, this variant has not been reported in individuals affected with hereditary cancer in the literature. This variant has not been identified in the general population by the Genome Aggregation Database (gnomAD). Loss of MSH6 function is a known mechanism of disease. Based on the available evidence, this variant is classified as Pathogenic.

Division of Medical Genetics, University of Washington
Classification: Pathogenic for Lynch syndrome 5. Last evaluated: 2019-07-12. Review status: criteria provided, single submitter. Criteria: ACMG Guidelines, 2015. Collection method: clinical testing. Allele origin: germline. Affected: yes. Study: CSER_CHARM.
Comment: The c.706_707delCA variant results in a two nucleotide deletion that causes a shift in the reading frame and ultimately leads to a premature stop codon. This variant has not been reported in the gnomAD database. Two laboratories have reported this variant in the ClinVar database, both of which classified it as pathogenic. To our knowledge, this sequence variant has not been previously reported in the medical literature; however, haploinsufficiency of the MSH6 gene is a known mechanism of disease. Based on the available information we interpret the c.706_707delCA variant as pathogenic.

Literature cited by the submitters: PubMed 36245225 (cited by Women's Health and Genetics/Laboratory Corporation of America, LabCorp); PubMed 18269114 (cited by Labcorp Genetics (formerly Invitae), Labcorp); PubMed 24362816 (cited by Labcorp Genetics (formerly Invitae), Labcorp).

NM_000179.3(MSH6):c.706_707del (p.Gln236fs)

Gene: MSH6 (mutS homolog 6; plus strand). Cytogenetic location: 2p16.3.
Variant type: Microsatellite.
Coding change: c.706_707del on transcript NM_000179.3 (MANE Select); coding-DNA positions 706 to 707, 2 bases deleted (CA; older notation c.706_707delCA).
Protein change: p.Gln236fs; shifts the reading frame from glutamine 236.
Molecular consequence: frameshift variant. On other transcripts: 5 prime UTR variant (2).
Genome position (GRCh38, 1-based): chr2:47,798,689-47,798,690, CA deleted; deleting any 2 consecutive bases within chr2:47,798,686-47,798,690 gives the same sequence; the c. name uses the placement nearest the transcript's 3' end. VCF-style (leftmost placement, unchanged base first): chr2-47798685-GAC-G. GRCh37 (hg19) VCF-style: chr2-48025824-GAC-G.
Other names: c.316_317del, p.Gln106fs (NM_001281492.2); c.-203CA[1] (NM_001281493.2, NM_001281494.2); c.706_707delCA (NM_000179.3, NM_000179.2); short protein forms Q236fs, Q106fs.
Identifiers: ClinVar variation 491991 (VCV000491991.22), dbSNP rs1553412129, ClinGen allele CA658683229.
Genomic context (GRCh38, chr2:47,798,685, plus strand): 5'-CGTAACAGATAAGAGTGAAGAAGATAATGAAATTGAGAGTGAAGAGGAAGTACAGCCTAA[GAC>G]ACAAGGATCTAGGCGAAGTAGCCGCCAAATAAAAAAACGAAGGGTCATATCAGATTCTGA-3'